The following is an entry in ClinVar:

NM_001330260.2(SCN8A):c.133C>T (p.Arg45Trp)

Genes: SCN8A (sodium voltage-gated channel alpha subunit 8; plus strand), LOC114803470 (SCN8A eExon liver enhancer; plus strand). Cytogenetic location: 12q13.13.
Variant type: single nucleotide variant.
Coding change: c.133C>T on transcript NM_001330260.2 (MANE Select); coding-DNA position 133, C replaced by T.
Protein change: p.Arg45Trp; replaces arginine 45 with tryptophan.
Molecular consequence: missense variant.
Genome position (GRCh38, 1-based): chr12:51,662,950, C>T. VCF-style: chr12-51662950-C-T. GRCh37 (hg19) VCF-style: chr12-52056734-C-T.
Other names: c.133C>T, p.Arg45Trp (NM_001177984.3, NM_001369788.1, NM_014191.4); short protein forms R45W.
Identifiers: ClinVar variation 1700989 (VCV001700989.28), dbSNP rs373541157, ClinGen allele CA6570998.

ClinVar aggregate classification (germline): Uncertain significance. Review status: criteria provided, multiple submitters, no conflicts (2 of 4 stars). 3 submissions from 3 submitters: Uncertain significance (3). Last evaluated 2024-12-22.

Conditions:
Early-infantile DEE. Also called: Early infantile epileptic encephalopathy with suppression bursts; Ohtahara syndrome; Early infantile epileptic encephalopathy. Identifiers: Orphanet 1934, MedGen C0393706, MONDO:0800491.

Allele frequency attached by ClinVar (database versions not stated): gnomAD exomes below 0.00001 and 0.00001; gnomAD 0.00001; TOPMed 0.00001; ExAC 0.00002; 1000 Genomes Project 30x 0.00016; ESP Exome Variant Server 0.00016.
gnomAD v4.1: 3 of 1,614,004 alleles (0.00019%); highest among the groups gnomAD compares: Non-Finnish European, 0.00025%; no homozygotes.

Submissions (3):

Labcorp Genetics (formerly Invitae), Labcorp
Classification: Uncertain significance for Early-infantile DEE. Last evaluated: 2024-12-22. Review status: criteria provided, single submitter. Criteria: Invitae Variant Classification Sherloc (09022015). Collection method: clinical testing. Allele origin: germline.
Comment: This sequence change replaces arginine, which is basic and polar, with tryptophan, which is neutral and slightly polar, at codon 45 of the SCN8A protein (p.Arg45Trp). This variant is present in population databases (rs373541157, gnomAD 0.004%). This variant has not been reported in the literature in individuals affected with SCN8A-related conditions. ClinVar contains an entry for this variant (Variation ID: 1700989). Invitae Evidence Modeling of protein sequence and biophysical properties (such as structural, functional, and spatial information, amino acid conservation, physicochemical variation, residue mobility, and thermodynamic stability) indicates that this missense variant is not expected to disrupt SCN8A protein function with a negative predictive value of 95%. In summary, the available evidence is currently insufficient to determine the role of this variant in disease. Therefore, it has been classified as a Variant of Uncertain Significance.

CeGaT Center for Human Genetics Tuebingen
Classification: Uncertain significance. Last evaluated: 2022-11-01. Review status: criteria provided, single submitter. Criteria: CeGaT Center For Human Genetics Tuebingen Variant Classification Criteria Version 2. Collection method: clinical testing. Allele origin: germline. Affected: yes. Observed: 1 variant allele.

GeneDx
Classification: Uncertain significance. Last evaluated: 2022-02-14. Review status: criteria provided, single submitter. Criteria: GeneDx Variant Classification Process June 2021. Collection method: clinical testing. Allele origin: germline. Affected: yes.
Comment: Missense variants in this gene are often considered pathogenic (HGMD); In silico analysis supports that this missense variant has a deleterious effect on protein structure/function; Has not been previously published as pathogenic or benign to our knowledge; This substitution is predicted to be within the N-terminal cytoplasmic domain.